The following is an entry in ClinVar:

NM_000368.5(TSC1):c.664-8T>C

Gene: TSC1 (TSC complex subunit 1; minus strand). Cytogenetic location: 9q34.13.
Variant type: single nucleotide variant.
Coding change: c.664-8T>C on transcript NM_000368.5 (MANE Select); 8 bases into the intron before coding-DNA position 664, T replaced by C.
Molecular consequence: intron variant.
Genome position (GRCh38, 1-based): chr9:132,921,444, A>G on the plus strand (T>C on the coding strand, the complement: TSC1 is on the minus strand). VCF-style: chr9-132921444-A-G. GRCh37 (hg19) VCF-style: chr9-135796831-A-G.
Other names: c.301-8T>C (NM_001406620.1, NM_001406618.1, NM_001406625.1 and 10 more transcripts); c.511-8T>C (NM_001406613.1, NM_001406612.1, NM_001406610.1 and 2 more transcripts); c.-215+375T>C (NM_001406627.1, NM_001406628.1, NM_001406626.1); c.-357+375T>C (NM_001406629.1); c.664-8T>C (NM_001406603.1, NM_001406609.1, NM_001406597.1 and 16 more transcripts); c.-430-8T>C (NM_001406630.1).
Identifiers: ClinVar variation 4071226 (VCV004071226.1).

ClinVar aggregate classification (germline): Likely benign (1 of 4 stars; one submission).

Conditions:
Tuberous sclerosis 1 (TSC1). Identifiers: Orphanet 805, MedGen C1854465, MONDO:0008612, OMIM 191100.

Submission:

Myriad Genetics, Inc.
Classification: Likely benign for Tuberous sclerosis 1. Last evaluated: 2025-04-08. Review status: criteria provided, single submitter. Criteria: Myriad Autosomal Dominant, Autosomal Recessive and X-Linked Classification Criteria (2023). Collection method: clinical testing. Allele origin: unknown.
Comment: This variant is considered likely benign. This variant is intronic and is not expected to impact mRNA splicing.